The following is an entry in ClinVar:

NM_015205.3(ATP11A):c.247G>C (p.Val83Leu)

Gene: ATP11A (ATPase phospholipid transporting 11A; plus strand). Cytogenetic location: 13q34.
Variant type: single nucleotide variant.
Coding change: c.247G>C on transcript NM_015205.3 (MANE Select); coding-DNA position 247, G replaced by C.
Protein change: p.Val83Leu; replaces valine 83 with leucine.
Molecular consequence: missense variant.
Genome position (GRCh38, 1-based): chr13:112,805,041, G>C. VCF-style: chr13-112805041-G-C. GRCh37 (hg19) VCF-style: chr13-113459355-G-C.
Other names: NC_000013.10:g.113459355G>C; c.247G>C, p.Val83Leu (NM_001405661.1, NM_001405662.1, NM_001405663.1 and 1 more transcripts); c.247G>C (NM_032189.3); short protein forms V83L.
Identifiers: ClinVar variation 4390820 (VCV004390820.2).
Genomic context (GRCh38, chr13:112,805,041, plus strand): 5'-AAGAATTTATTTGAACAATTCAGAAGAGTAGCCAACTTTTATTTCCTTATCATATTTCTG[G>C]TGCAGGTAAGGCCGGTCATTGTTTTCCATCTCATCACATATAAATCTAAATAAGTGACAT-3'
Protein context (NP_056020.2, residues 73-93): ANFYFLIIFL[Val83Leu]QLIIDTPTSP

ClinVar aggregate classification (germline): Uncertain significance (1 of 4 stars; one submission).

Conditions:
ATP11A-related disorder. Also called: ATP11A-related condition.

gnomAD v4.1: 1 of 1,605,800 alleles (0.000062%); highest among the groups gnomAD compares: Non-Finnish European, 0.000085%; no homozygotes.

Submissions (2):

PreventionGenetics, part of Exact Sciences
Classification: Uncertain significance for ATP11A-related condition. Last evaluated: 2025-12-21. Review status: criteria provided, single submitter. Criteria: ACMG Guidelines, 2015. Collection method: clinical testing. Allele origin: germline.
Comment: The ATP11A c.247G>C variant is predicted to result in the amino acid substitution p.Val83Leu. To our knowledge, this variant has not been reported in the literature. This variant is reported in 0.0018% of alleles in individuals of European (Non-Finnish) descent in gnomAD. At this time, the clinical significance of this variant is uncertain due to the absence of conclusive functional and genetic evidence.

Dr. Peter K. Rogan Lab, Western University
No classification provided (evidence only). Condition: Colorectal cancer. Review status: no classification provided. Collection method: in vitro. Allele origin: not applicable. Functional consequence: retained intron. Not counted in ClinVar's aggregate classification.